The following is an entry in ClinVar:

ClinVar aggregate classification (germline): Pathogenic. Review status: criteria provided, multiple submitters, no conflicts (2 of 4 stars). 3 submissions from 3 submitters: Pathogenic (2). 1 of the submissions does not count toward it. Last evaluated 2024-05-20.

Conditions:
Zellweger spectrum disorders (ZS). Also called: Zellweger Spectrum Disorder (ZSD); Zellweger Spectrum Disorder; Zellweger Spectrum; Zellweger syndrome. Identifiers: Orphanet 912, MedGen C0043459, MONDO:0019609.
Peroxisome biogenesis disorder 1A (Zellweger) (PBD1A). Also called: Zellweger leukodystrophy; Peroxisome biogenesis disorder 1a. Identifiers: MedGen C4721541, MONDO:0008953, OMIM 214100.

Submissions (3):

Labcorp Genetics (formerly Invitae), Labcorp
Classification: Pathogenic for Zellweger spectrum disorders. Last evaluated: 2024-05-20. Review status: criteria provided, single submitter. Criteria: Invitae Variant Classification Sherloc (09022015). Collection method: clinical testing. Allele origin: germline.
Comment: This sequence change creates a premature translational stop signal (p.Lys614Valfs*32) in the PEX1 gene. It is expected to result in an absent or disrupted protein product. Loss-of-function variants in PEX1 are known to be pathogenic (PMID: 21031596, 26387595, 31831025). This variant is not present in population databases (gnomAD no frequency). This variant has not been reported in the literature in individuals affected with PEX1-related conditions. ClinVar contains an entry for this variant (Variation ID: 558642). For these reasons, this variant has been classified as Pathogenic.

Revvity Omics, Revvity
Classification: Pathogenic. Last evaluated: 2022-11-10. Review status: criteria provided, single submitter. Criteria: ACMG Guidelines, 2015. Collection method: clinical testing. Allele origin: germline.

Counsyl
Classification: Likely pathogenic for Peroxisome biogenesis disorder 1A (Zellweger). Last evaluated: 2018-06-04. Review status: no assertion criteria provided. Collection method: clinical testing. Allele origin: unknown. Not counted in ClinVar's aggregate classification.

Literature cited by the submitters: PubMed 21031596 (cited by Labcorp Genetics (formerly Invitae), Labcorp); PubMed 26387595 (cited by Labcorp Genetics (formerly Invitae), Labcorp); PubMed 31831025 (cited by Labcorp Genetics (formerly Invitae), Labcorp).

NM_000466.3(PEX1):c.1838_1839dup (p.Lys614fs)

Gene: PEX1 (peroxisomal biogenesis factor 1; minus strand). Cytogenetic location: 7q21.2.
Variant type: Duplication.
Coding change: c.1838_1839dup on transcript NM_000466.3 (MANE Select); coding-DNA positions 1838 to 1839, 2 bases duplicated (GT; older notation c.1838_1839dupGT).
Protein change: p.Lys614fs; shifts the reading frame from lysine 614.
Molecular consequence: frameshift variant.
Genome position (GRCh38, 1-based): chr7:92,506,309-92,506,310, AC duplicated on the plus strand (GT on the coding strand, the reverse complement: PEX1 is on the minus strand); duplicating any 2 consecutive bases within chr7:92,506,309-92,506,311 gives the same sequence; the c. name uses the placement nearest the transcript's 3' end. VCF-style (leftmost placement, unchanged base first): chr7-92506308-T-TAC. GRCh37 (hg19) VCF-style: chr7-92135622-T-TAC.
Other names: c.1838_1839dup, p.Lys614fs (NM_001282677.2); c.1214_1215dup, p.Lys406fs (NM_001282678.2); c.1838_1839dupGT (NM_000466.2); short protein forms K406fs, K614fs.
Identifiers: ClinVar variation 558642 (VCV000558642.10), dbSNP rs1554372561, ClinGen allele CA658823124.
Genomic context (GRCh38, chr7:92,506,308, plus strand): 5'-CTCGTAAAGCTTTACAGTCAACTCTCTCCACATGGGCATCCAGTTTGTCAAATGCTTCTT[T>TAC]ACAGATTGCTTTGGCTAAAGTTGATTTTCCACTTCCCTAGAAAATAATTGCTTTATAGGA-3'